The following is an entry in ClinVar:

ClinVar aggregate classification (germline): Uncertain significance. Review status: criteria provided, multiple submitters, no conflicts (2 of 4 stars). 5 submissions from 4 submitters: Uncertain significance (5). Last evaluated 2021-07-09.

Conditions:
Lethal Kniest-like syndrome (DDSH). Also called: Dyssegmental Dysplasia. Identifiers: Orphanet 1865, MedGen C1857100, MONDO:0009140, OMIM 224410.
Schwartz-Jampel syndrome. Also called: Myotonic myopathy dwarfism chondrodystrophy and ocular and facial abnormalities. Identifiers: Orphanet 800, MedGen C0036391, MONDO:0009717.
Inborn genetic diseases. Identifiers: MedGen C0950123, MeSH D030342.

Allele frequency attached by ClinVar (database versions not stated): gnomAD 0.00013; 1000 Genomes Project 30x 0.00016; 1000 Genomes Project 0.00020; ExAC 0.00032; TOPMed 0.00007; gnomAD exomes 0.00009.
gnomAD v4.1: 194 of 1,560,242 alleles (0.012%); highest among the groups gnomAD compares: Non-Finnish European, 0.014%; no homozygotes.

Submissions (5):

Ambry Genetics
Classification: Uncertain significance for Inborn genetic diseases. Last evaluated: 2021-07-09. Review status: criteria provided, single submitter. Criteria: Ambry Variant Classification Scheme 2023. Collection method: clinical testing. Allele origin: germline.

GeneDx
Classification: Uncertain significance. Last evaluated: 2020-08-28. Review status: criteria provided, single submitter. Criteria: GeneDx Variant Classification Process June 2021. Collection method: clinical testing. Allele origin: germline. Affected: yes.
Comment: In silico analysis supports that this missense variant has a deleterious effect on protein structure/function; Has not been previously published as pathogenic or benign to our knowledge

Revvity Omics, Revvity
Classification: Uncertain significance. Last evaluated: 2019-03-28. Review status: criteria provided, single submitter. Criteria: ACMG Guidelines, 2015. Collection method: clinical testing. Allele origin: germline.

Illumina Laboratory Services, Illumina
Classification: Uncertain significance for Lethal Kniest-like syndrome. Last evaluated: 2018-01-13. Review status: criteria provided, single submitter. Criteria: ICSL Variant Classification Criteria 13 December 2019. Collection method: clinical testing. Allele origin: germline.

Illumina Laboratory Services, Illumina
Classification: Uncertain significance for Schwartz-Jampel syndrome type 1. Last evaluated: 2018-01-13. Review status: criteria provided, single submitter. Criteria: ICSL Variant Classification Criteria 13 December 2019. Collection method: clinical testing. Allele origin: germline.

NM_005529.7(HSPG2):c.10351C>T (p.Leu3451Phe)

Gene: HSPG2 (heparan sulfate proteoglycan 2; minus strand). Cytogenetic location: 1p36.12.
Variant type: single nucleotide variant.
Coding change: c.10351C>T on transcript NM_005529.7 (MANE Select); coding-DNA position 10351, C replaced by T.
Protein change: p.Leu3451Phe; replaces leucine 3451 with phenylalanine.
Molecular consequence: missense variant.
Genome position (GRCh38, 1-based): chr1:21,836,806, G>A on the plus strand (C>T on the coding strand, the complement: HSPG2 is on the minus strand). VCF-style: chr1-21836806-G-A. GRCh37 (hg19) VCF-style: chr1-22163299-G-A.
Other names: c.10354C>T, p.Leu3452Phe (NM_001291860.2); short protein forms L3451F, L3452F.
Identifiers: ClinVar variation 295738 (VCV000295738.10), dbSNP rs542598107, ClinGen allele CA670167.
Genomic context (GRCh38, chr1:21,836,806, plus strand): 5'-ACTGTGAGCCCTGGGCTATGCTGCCCAAGTCCAGTCCTGCCCCCGGCCCCACTCACCGGA[G>A]CACCCCATCCTGCACGCTGTGACCCGGAGGCAGCTGACCCCCTTCCTTGAACCAACGGAG-3'
Protein context (NP_005520.4, residues 3441-3461): PPGHSVQDGV[Leu3451Phe]RIQNLDQSCQ